The following is an entry in ClinVar:

NM_033109.5(PNPT1):c.775A>G (p.Ile259Val)

Gene: PNPT1 (polyribonucleotide nucleotidyltransferase 1; minus strand). Cytogenetic location: 2p16.1.
Variant type: single nucleotide variant.
Coding change: c.775A>G on transcript NM_033109.5 (MANE Select); coding-DNA position 775, A replaced by G.
Protein change: p.Ile259Val; replaces isoleucine 259 with valine.
Molecular consequence: missense variant.
Genome position (GRCh38, 1-based): chr2:55,672,984, T>C on the plus strand (A>G on the coding strand, the complement: PNPT1 is on the minus strand). VCF-style: chr2-55672984-T-C. GRCh37 (hg19) VCF-style: chr2-55900119-T-C.
Other names: short protein forms I259V.
Identifiers: ClinVar variation 2050134 (VCV002050134.4), dbSNP rs1271131180, ClinGen allele CA346934268.
Genomic context (GRCh38, chr2:55,672,984, plus strand): 5'-GGGTAAATAACTTCTGAGGTGTCCTCTTGGTAACACCAGTTTCTTTTACCAACTGCTGAA[T>C]GCCCTGAATTATTTGTTGGGTATATTTCACTCCCACTTTGATAGCATGGCAAAAGTCCTG-3'
Protein context (NP_149100.2, residues 249-269): VKYTQQIIQG[Ile259Val]QQLVKETGVT

ClinVar aggregate classification (germline): Uncertain significance (1 of 4 stars; one submission).

Allele frequency attached by ClinVar (database versions not stated): gnomAD exomes below 0.00001; gnomAD 0.00001.
gnomAD v4.1: 3 of 1,613,488 alleles (0.00019%); highest among the groups gnomAD compares: African/African-American, 0.0027%; no homozygotes.

Submission:

Labcorp Genetics (formerly Invitae), Labcorp
Classification: Uncertain significance. Last evaluated: 2022-07-12. Review status: criteria provided, single submitter. Criteria: Invitae Variant Classification Sherloc (09022015). Collection method: clinical testing. Allele origin: germline.
Comment: This sequence change replaces isoleucine, which is neutral and non-polar, with valine, which is neutral and non-polar, at codon 259 of the PNPT1 protein (p.Ile259Val). This variant is present in population databases (no rsID available, gnomAD 0.007%). This variant has not been reported in the literature in individuals affected with PNPT1-related conditions. Advanced modeling of protein sequence and biophysical properties (such as structural, functional, and spatial information, amino acid conservation, physicochemical variation, residue mobility, and thermodynamic stability) performed at Invitae indicates that this missense variant is not expected to disrupt PNPT1 protein function. In summary, the available evidence is currently insufficient to determine the role of this variant in disease. Therefore, it has been classified as a Variant of Uncertain Significance.